The following is an entry in ClinVar:

NM_032119.4(ADGRV1):c.12350G>A (p.Arg4117His)

Gene: ADGRV1 (adhesion G protein-coupled receptor V1; plus strand). Cytogenetic location: 5q14.3.
Variant type: single nucleotide variant.
Coding change: c.12350G>A on transcript NM_032119.4 (MANE Select); coding-DNA position 12350, G replaced by A.
Protein change: p.Arg4117His; replaces arginine 4117 with histidine.
Molecular consequence: missense variant. On other transcripts: non-coding transcript variant (1).
Genome position (GRCh38, 1-based): chr5:90,774,250, G>A. VCF-style: chr5-90774250-G-A. GRCh37 (hg19) VCF-style: chr5-90070067-G-A.
Other names: short protein forms R4117H.
Identifiers: ClinVar variation 227390 (VCV000227390.23), dbSNP rs202067248, ClinGen allele CA3341222.

ClinVar aggregate classification (germline): Conflicting classifications of pathogenicity. Review status: criteria provided, conflicting classifications (1 of 4 stars). 7 submissions from 7 submitters: Uncertain significance (3); Likely benign (4). Last evaluated 2026-02-17.

Conditions:
ADGRV1-related disorder. Also called: ADGRV1-related condition; ADGRV1-related disorders.
Inborn genetic diseases. Identifiers: MedGen C0950123, MeSH D030342.
Usher syndrome type 2C. Also called: Usher syndrome, type 2B; USHER SYNDROME, TYPE IIC. Identifiers: Orphanet 231178, Orphanet 886, MedGen C2931213, MONDO:0011558, OMIM 605472.

Allele frequency attached by ClinVar (database versions not stated): gnomAD 0.00019 and 0.00021; TOPMed 0.00020; gnomAD exomes 0.00025 and 0.00032; ExAC 0.00028; ESP Exome Variant Server 0.00033.
gnomAD v4.1: 487 of 1,610,688 alleles (0.03%); highest among the groups gnomAD compares: Admixed American, 0.052%; no homozygotes.

Submissions (7):

PreventionGenetics, part of Exact Sciences
Classification: Uncertain significance for ADGRV1-related condition. Last evaluated: 2026-02-17. Review status: criteria provided, single submitter. Criteria: ACMG Guidelines, 2015. Collection method: clinical testing. Allele origin: germline.
Comment: The ADGRV1 c.12350G>A variant is predicted to result in the amino acid substitution p.Arg4117His. To our knowledge, this variant has not been reported in the literature. This variant is reported in 0.045% of alleles in individuals of Latino descent in gnomAD, which may be too frequent to be a primary cause of disease. Although we suspect that this variant may be benign, at this time, the clinical significance of this variant is uncertain due to the absence of conclusive functional and genetic evidence.

Labcorp Genetics (formerly Invitae), Labcorp
Classification: Likely benign. Last evaluated: 2026-01-25. Review status: criteria provided, single submitter. Criteria: Invitae Variant Classification Sherloc (09022015). Collection method: clinical testing. Allele origin: germline.

Blueprint Genetics
Classification: Likely benign. Last evaluated: 2024-09-26. Review status: criteria provided, single submitter. Criteria: ACMG Guidelines, 2015. Collection method: clinical testing. Allele origin: germline.

Ambry Genetics
Classification: Likely benign for Inborn genetic diseases. Last evaluated: 2022-01-31. Review status: criteria provided, single submitter. Criteria: Ambry Variant Classification Scheme 2023. Collection method: clinical testing. Allele origin: germline.

Eurofins Ntd Llc (ga)
Classification: Uncertain significance. Last evaluated: 2018-05-29. Review status: criteria provided, single submitter. Criteria: EGL ClinVar v180209 classification definitions. Collection method: clinical testing. Allele origin: germline. Observed: 1 variant allele, 1 heterozygote.

Illumina Laboratory Services, Illumina
Classification: Uncertain significance for Usher syndrome type 2C. Last evaluated: 2018-01-12. Review status: criteria provided, single submitter. Criteria: ICSL Variant Classification Criteria 13 December 2019. Collection method: clinical testing. Allele origin: germline.

Laboratory for Molecular Medicine, Mass General Brigham Personalized Medicine
Classification: Likely benign. Last evaluated: 2015-06-16. Review status: criteria provided, single submitter. Criteria: LMM Criteria. Collection method: clinical testing. Allele origin: germline. Observed: 1 variant allele.
Comment: p.Arg4117His in exon 60 of GPR98: This variant is not expected to have clinical significance due to a lack of conservation across species, including mammals. Of note, 13 mammals have a histidine (His) at this position despite high nearby am ino acid conservation. This variant has also been identified in 29/66378 Europea n chromosomes by the Exome Aggregation Consortium (ExAC; dbSNP rs202067248).